The following is an entry in ClinVar:

NM_002519.3(NPAT):c.1898A>C (p.Lys633Thr)

Gene: NPAT (nuclear protein, coactivator of histone transcription; minus strand). Cytogenetic location: 11q22.3.
Variant type: single nucleotide variant.
Coding change: c.1898A>C on transcript NM_002519.3 (MANE Select); coding-DNA position 1898, A replaced by C.
Protein change: p.Lys633Thr; replaces lysine 633 with threonine.
Molecular consequence: missense variant.
Genome position (GRCh38, 1-based): chr11:108,173,086, T>G on the plus strand (A>C on the coding strand, the complement: NPAT is on the minus strand). VCF-style: chr11-108173086-T-G. GRCh37 (hg19) VCF-style: chr11-108043813-T-G.
Other names: c.1898A>C, p.Lys633Thr (NM_001321307.1); short protein forms K633T.
Identifiers: ClinVar variation 2453733 (VCV002453733.2), dbSNP rs1214445879, ClinGen allele CA382514120.

ClinVar aggregate classification (germline): Uncertain significance (1 of 4 stars; one submission).

Allele frequency attached by ClinVar (database versions not stated): gnomAD exomes below 0.00001; TOPMed below 0.00001.
gnomAD v4.1: 2 of 1,614,130 alleles (0.00012%); highest among the groups gnomAD compares: Non-Finnish European, 0.00017%; no homozygotes.

Submission:

Ambry Genetics
Classification: Uncertain significance. Last evaluated: 2022-11-17. Review status: criteria provided, single submitter. Criteria: Ambry Variant Classification Scheme 2023. Collection method: clinical testing. Allele origin: germline.
Comment: The p.K633T variant (also known as c.1898A>C), located in coding exon 13 of the NPAT gene, results from an A to C substitution at nucleotide position 1898. The lysine at codon 633 is replaced by threonine, an amino acid with similar properties. This amino acid position is conserved. In addition, this alteration is predicted to be tolerated by in silico analysis. Since supporting evidence is limited at this time, the clinical significance of this alteration remains unclear.